The following is an entry in ClinVar:

ClinVar aggregate classification (germline): Uncertain significance (1 of 4 stars; one submission).

Submission:

GeneDx
Classification: Uncertain significance. Last evaluated: 2023-12-18. Review status: criteria provided, single submitter. Criteria: GeneDx Variant Classification Process June 2021. Collection method: clinical testing. Allele origin: germline. Affected: yes.
Comment: Not observed at significant frequency in large population cohorts (gnomAD); In silico analysis supports that this missense variant does not alter protein structure/function; Has not been previously published as pathogenic or benign to our knowledge

NM_015335.5(MED13L):c.5248A>C (p.Met1750Leu)

Gene: MED13L (mediator complex subunit 13L; minus strand). Cytogenetic location: 12q24.21.
Variant type: single nucleotide variant.
Coding change: c.5248A>C on transcript NM_015335.5 (MANE Select); coding-DNA position 5248, A replaced by C.
Protein change: p.Met1750Leu; replaces methionine 1750 with leucine.
Molecular consequence: missense variant.
Genome position (GRCh38, 1-based): chr12:115,980,866, T>G on the plus strand (A>C on the coding strand, the complement: MED13L is on the minus strand). VCF-style: chr12-115980866-T-G. GRCh37 (hg19) VCF-style: chr12-116418671-T-G.
Other names: short protein forms M1750L.
Identifiers: ClinVar variation 3252796 (VCV003252796.1), dbSNP rs2499816606.